The following is an entry in ClinVar:

ClinVar aggregate classification (germline): Conflicting classifications of pathogenicity. Review status: criteria provided, conflicting classifications (1 of 4 stars). 3 submissions from 3 submitters: Uncertain significance (2); Likely benign (1). Last evaluated 2026-02-19.

Conditions:
Hereditary cancer-predisposing syndrome. Also called: Hereditary neoplastic syndrome; Tumor predisposition; Neoplastic Syndromes, Hereditary; Hereditary Cancer Syndrome. Identifiers: Orphanet 140162, MedGen C0027672, MeSH D009386, MONDO:0015356.
Multiple endocrine neoplasia, type 2 (MEN2). Identifiers: Orphanet 653, MedGen C4048306, MONDO:0019003. Disease mechanism: gain of function.

Submissions (3):

Ambry Genetics
Classification: Uncertain significance for Hereditary cancer-predisposing syndrome. Last evaluated: 2026-02-19. Review status: criteria provided, single submitter. Criteria: Ambry Variant Classification Scheme 2023. Collection method: clinical testing. Allele origin: germline.
Comment: The c.867+3G>A intronic variant results from a G to A substitution 3 nucleotides after coding exon 4 in the RET gene. This nucleotide position is not well conserved in available vertebrate species. In silico splice site analysis predicts that this alteration will not have any significant effect on splicing. Based on the available evidence, the clinical significance of this variant remains unclear.

All of Us Research Program, National Institutes of Health
Classification: Likely benign for Multiple endocrine neoplasia, type 2. Last evaluated: 2024-07-29. Review status: criteria provided, single submitter. Criteria: ACMG Guidelines, 2015. Collection method: clinical testing. Allele origin: germline. Inheritance: Autosomal dominant inheritance. Observed: 1 variant allele, 1 heterozygote.
Comment: This study involves interpretation of variants in research participants for the purpose of population health screening. Participant phenotype was not available at the time of variant classification. Additional details can be found in publication PMID: 35346344, PMCID: PMC8962531

Labcorp Genetics (formerly Invitae), Labcorp
Classification: Uncertain significance for Multiple endocrine neoplasia, type 2. Last evaluated: 2021-04-29. Review status: criteria provided, single submitter. Criteria: Invitae Variant Classification Sherloc (09022015). Collection method: clinical testing. Allele origin: germline.
Comment: This variant is not present in population databases (ExAC no frequency). This sequence change falls in intron 4 of the RET gene. It does not directly change the encoded amino acid sequence of the RET protein. It affects a nucleotide within the consensus splice site of the intron. This variant has not been reported in the literature in individuals with RET-related conditions. Nucleotide substitutions within the consensus splice site are a relatively common cause of aberrant splicing (PMID: 17576681, 9536098). Algorithms developed to predict the effect of sequence changes on RNA splicing suggest that this variant may create or strengthen a splice site, but this prediction has not been confirmed by published transcriptional studies. In summary, the available evidence is currently insufficient to determine the role of this variant in disease. Therefore, it has been classified as a Variant of Uncertain Significance.

Literature cited by the submitters: PubMed 17576681 (cited by Labcorp Genetics (formerly Invitae), Labcorp); PubMed 9536098 (cited by Labcorp Genetics (formerly Invitae), Labcorp).

NM_020975.6(RET):c.867+3G>A

Gene: RET (ret proto-oncogene; plus strand). Cytogenetic location: 10q11.21.
Variant type: single nucleotide variant.
Coding change: c.867+3G>A on transcript NM_020975.6 (MANE Select); 3 bases into the intron after coding-DNA position 867, G replaced by A.
Molecular consequence: intron variant.
Genome position (GRCh38, 1-based): chr10:43,105,196, G>A. VCF-style: chr10-43105196-G-A. GRCh37 (hg19) VCF-style: chr10-43600644-G-A.
Other names: c.867+3G>A (NM_020630.7, NM_001406743.1, NM_001406744.1 and 6 more transcripts); c.625+2567G>A (NM_001406773.1, NM_001406771.1, NM_001406782.1 and 5 more transcripts); c.738+3G>A (NM_001406764.1, NM_001406762.1, NM_001406761.1 and 2 more transcripts); c.496+2567G>A (NM_001406786.1, NM_001406783.1); c.579+3G>A (NM_001406770.1, NM_001406766.1, NM_001406767.1); c.338-3835G>A (NM_001406778.1, NM_001406775.1, NM_001406776.1 and 1 more transcripts); c.337+4474G>A (NM_001406790.1, NM_001406788.1, NM_001406789.1 and 1 more transcripts); c.74-3835G>A (NM_001406784.1); and 2 more.
Identifiers: ClinVar variation 1346773 (VCV001346773.11), dbSNP rs2132709323, ClinGen allele CA2573145090.